The following is an entry in ClinVar:

ClinVar aggregate classification (germline): Conflicting classifications of pathogenicity. Review status: criteria provided, conflicting classifications (1 of 4 stars). 7 submissions from 7 submitters: Uncertain significance (1); Likely benign (5). 1 of the submissions does not count toward it. Last evaluated 2025-12-10.

Conditions:
MYH11-related disorder. Also called: MYH11-related condition.
Familial thoracic aortic aneurysm and aortic dissection (TAAD). Also called: Thoracic aortic aneurysms and dissections. Identifiers: Orphanet 91387, MedGen C4707243, MONDO:0019625.
Aortic aneurysm, familial thoracic 4 (AAT4). Also called: AORTIC ANEURYSM/AORTIC DISSECTION AND PATENT DUCTUS ARTERIOSUS. Identifiers: MedGen C1851504, MONDO:0007568, OMIM 132900.

Allele frequency attached by ClinVar (database versions not stated): gnomAD exomes 0.00001 and 0.00007; ExAC 0.00002; gnomAD 0.00002; TOPMed 0.00002.
gnomAD v4.1: 102 of 1,614,118 alleles (0.0063%); highest among the groups gnomAD compares: Non-Finnish European, 0.0082%; no homozygotes.

Submissions (7):

Labcorp Genetics (formerly Invitae), Labcorp
Classification: Likely benign for Aortic aneurysm, familial thoracic 4. Last evaluated: 2025-12-10. Review status: criteria provided, single submitter. Criteria: Invitae Variant Classification Sherloc (09022015). Collection method: clinical testing. Allele origin: germline.

All of Us Research Program, National Institutes of Health
Classification: Likely benign for Familial thoracic aortic aneurysm and aortic dissection. Last evaluated: 2023-10-06. Review status: criteria provided, single submitter. Criteria: ACMG Guidelines, 2015. Collection method: clinical testing. Allele origin: germline. Inheritance: Autosomal dominant inheritance. Observed: 8 variant alleles, 8 heterozygotes.
Comment: This study involves interpretation of variants in research participants for the purpose of population health screening. Participant phenotype was not available at the time of variant classification. Additional details can be found in publication PMID: 35346344, PMCID: PMC8962531

Ambry Genetics
Classification: Likely benign for Familial thoracic aortic aneurysm and aortic dissection. Last evaluated: 2022-04-21. Review status: criteria provided, single submitter. Criteria: Ambry Variant Classification Scheme 2023. Collection method: clinical testing. Allele origin: germline.

Blueprint Genetics
Classification: Likely benign. Last evaluated: 2019-12-13. Review status: criteria provided, single submitter. Criteria: ACMG Guidelines, 2015. Collection method: clinical testing. Allele origin: germline.

Color Diagnostics, LLC DBA Color Health
Classification: Likely benign for Familial thoracic aortic aneurysm and aortic dissection. Last evaluated: 2018-06-04. Review status: criteria provided, single submitter. Criteria: ACMG Guidelines, 2015. Collection method: clinical testing. Allele origin: germline.

Illumina Laboratory Services, Illumina
Classification: Uncertain significance for Aortic aneurysm, familial thoracic 4. Last evaluated: 2018-01-13. Review status: criteria provided, single submitter. Criteria: ICSL Variant Classification Criteria 13 December 2019. Collection method: clinical testing. Allele origin: germline.

PreventionGenetics, part of Exact Sciences
Classification: Likely benign for MYH11-related condition. Last evaluated: 2021-10-25. Review status: no assertion criteria provided. Collection method: clinical testing. Allele origin: germline. Not counted in ClinVar's aggregate classification.
Comment: This variant is classified as likely benign based on ACMG/AMP sequence variant interpretation guidelines (Richards et al. 2015 PMID: 25741868, with internal and published modifications).

NM_002474.3(MYH11):c.2010C>T (p.Asn670=)

Gene: MYH11 (myosin heavy chain 11; minus strand). Cytogenetic location: 16p13.11.
Variant type: single nucleotide variant.
Coding change: c.2010C>T on transcript NM_002474.3 (MANE Select); coding-DNA position 2010, C replaced by T.
Protein change: p.Asn670=; no amino-acid change (asparagine 670 retained).
Molecular consequence: synonymous variant.
Genome position (GRCh38, 1-based): chr16:15,750,186, G>A on the plus strand (C>T on the coding strand, the complement: MYH11 is on the minus strand). VCF-style: chr16-15750186-G-A. GRCh37 (hg19) VCF-style: chr16-15844043-G-A.
Other names: c.2031C>T, p.Asn677= (NM_001040113.2, NM_001040114.2); c.2010C>T, p.Asn670= (NM_022844.3).
Identifiers: ClinVar variation 318168 (VCV000318168.21), dbSNP rs774336703, ClinGen allele CA7922452.